The following is an entry in ClinVar:

NM_015557.3(CHD5):c.5249C>T (p.Thr1750Met)

Gene: CHD5 (chromodomain helicase DNA binding protein 5; minus strand). Cytogenetic location: 1p36.31.
Variant type: single nucleotide variant.
Coding change: c.5249C>T on transcript NM_015557.3 (MANE Select); coding-DNA position 5249, C replaced by T.
Protein change: p.Thr1750Met; replaces threonine 1750 with methionine.
Molecular consequence: missense variant.
Genome position (GRCh38, 1-based): chr1:6,111,775, G>A on the plus strand (C>T on the coding strand, the complement: CHD5 is on the minus strand). VCF-style: chr1-6111775-G-A. GRCh37 (hg19) VCF-style: chr1-6171835-G-A.
Other names: short protein forms T1750M.
Identifiers: ClinVar variation 983057 (VCV000983057.7), dbSNP rs139581412, ClinGen allele CA555861.

ClinVar aggregate classification (germline): Conflicting classifications of pathogenicity. Review status: criteria provided, conflicting classifications (1 of 4 stars). 3 submissions from 3 submitters: Uncertain significance (1); Likely benign (1). 1 of the submissions does not count toward it. Last evaluated 2026-09-01.

Conditions:
Neurodevelopmental disorder. Identifiers: MedGen C1535926, MeSH D065886, MONDO:0700092.
CHD5-related disorder. Also called: CHD5-related condition.

Allele frequency attached by ClinVar (database versions not stated): ExAC 0.00055; gnomAD exomes 0.00061; TOPMed 0.00062; gnomAD 0.00064; ESP Exome Variant Server 0.00069; 1000 Genomes Project 30x 0.00094; 1000 Genomes Project 0.00100.
gnomAD v4.1: 1,073 of 1,613,006 alleles (0.067%); highest among the groups gnomAD compares: Admixed American, 0.13%; no homozygotes.

Submissions (3):

CeGaT Center for Human Genetics Tuebingen
Classification: Likely benign. Last evaluated: 2026-09-01. Review status: criteria provided, single submitter. Criteria: CeGaT Center For Human Genetics Tuebingen Variant Classification Criteria Version 2. Collection method: clinical testing. Allele origin: germline. Affected: yes. Observed: 4 variant alleles.
Comment: CHD5: PP3, BS1

Institute of Human Genetics, University of Leipzig Medical Center
Classification: Uncertain significance for Neurodevelopmental disorder. Last evaluated: 2019-01-01. Review status: criteria provided, single submitter. Criteria: ACMG Guidelines, 2015. Collection method: clinical testing. Allele origin: unknown. Affected: yes.
Comment: This variant was identified as compound heterozygous.

PreventionGenetics, part of Exact Sciences
Classification: Likely benign for CHD5-related condition. Last evaluated: 2024-06-05. Review status: no assertion criteria provided. Collection method: clinical testing. Allele origin: germline. Not counted in ClinVar's aggregate classification.
Comment: This variant is classified as likely benign based on ACMG/AMP sequence variant interpretation guidelines (Richards et al. 2015 PMID: 25741868, with internal and published modifications).